The following is an entry in ClinVar:

NM_000587.4(C7):c.698G>A (p.Arg233His)

Gene: C7 (complement C7; plus strand). Cytogenetic location: 5p13.1.
Variant type: single nucleotide variant.
Coding change: c.698G>A on transcript NM_000587.4 (MANE Select); coding-DNA position 698, G replaced by A.
Protein change: p.Arg233His; replaces arginine 233 with histidine.
Molecular consequence: missense variant.
Genome position (GRCh38, 1-based): chr5:40,945,328, G>A. VCF-style: chr5-40945328-G-A. GRCh37 (hg19) VCF-style: chr5-40945430-G-A.
Other names: short protein forms R233H.
Identifiers: ClinVar variation 2416383 (VCV002416383.2), dbSNP rs775095625, ClinGen allele CA3249729.

ClinVar aggregate classification (germline): Uncertain significance (1 of 4 stars; one submission).

Allele frequency attached by ClinVar (database versions not stated): TOPMed 0.00001; gnomAD 0.00002; ExAC 0.00003.
gnomAD v4.1: 18 of 1,607,844 alleles (0.0011%); highest among the groups gnomAD compares: South Asian, 0.009%; no homozygotes.

Submission:

Labcorp Genetics (formerly Invitae), Labcorp
Classification: Uncertain significance. Last evaluated: 2022-06-08. Review status: criteria provided, single submitter. Criteria: Invitae Variant Classification Sherloc (09022015). Collection method: clinical testing. Allele origin: germline.
Comment: This sequence change replaces arginine, which is basic and polar, with histidine, which is basic and polar, at codon 233 of the C7 protein (p.Arg233His). This variant is present in population databases (rs775095625, gnomAD 0.003%). This variant has not been reported in the literature in individuals affected with C7-related conditions. Algorithms developed to predict the effect of missense changes on protein structure and function output the following: SIFT: "Tolerated"; PolyPhen-2: "Benign"; Align-GVGD: "Class C0". The histidine amino acid residue is found in multiple mammalian species, which suggests that this missense change does not adversely affect protein function. In summary, the available evidence is currently insufficient to determine the role of this variant in disease. Therefore, it has been classified as a Variant of Uncertain Significance.